The following is an entry in ClinVar:

NM_000246.4(CIITA):c.2698_2699inv (p.Gln900Trp)

Gene: CIITA (class II major histocompatibility complex transactivator; plus strand). Cytogenetic location: 16p13.13.
Variant type: Inversion.
Coding change: c.2698_2699inv on transcript NM_000246.4 (MANE Select).
Protein change: p.Gln900Trp; replaces glutamine 900 with tryptophan.
Molecular consequence: missense variant.
Genome position: GRCh38 VCF-style: chr16-10909069-CA-TG. GRCh37 (hg19) VCF-style: chr16-11002926-CA-TG.
Other names: c.2698_2699delinsTG (NM_000246.3); c.2701_2702inv, p.Gln901Trp (NM_001286402.1, NM_001379332.1); c.946_947inv, p.Gln316Trp (NM_001286403.2); c.2554_2555inv, p.Gln852Trp (NM_001379330.1); c.2551_2552inv, p.Gln851Trp (NM_001379331.1); c.2698_2699inv, p.Gln900Trp (NM_001379333.1); c.2629_2630inv, p.Gln877Trp (NM_001379334.1); short protein forms Q316W, Q901W, Q900W, Q851W, Q852W, Q877W.
Identifiers: ClinVar variation 855724 (VCV000855724.12), ClinGen allele CA916081783.
Genomic context (GRCh38, chr16:10,909,069, plus strand): 5'-CTGAGGCCCTCCCTCCACAGGGCTGCCTTGAGCGACACGGTGGCGCTGTGGGAGTCCCTG[CA>TG]GCAGCATGGGGAGACCAAGCTACTTCAGGCAGCAGAGGAGAAGTTCACCATCGAGCCTTT-3'
Protein context (NP_000237.2, residues 890-910): SDTVALWESL[Gln900Trp]QHGETKLLQA

ClinVar aggregate classification (germline): Uncertain significance. Review status: criteria provided, multiple submitters, no conflicts (2 of 4 stars). 2 submissions from 2 submitters: Uncertain significance (2). Last evaluated 2025-10-01.

Conditions:
MHC class II deficiency. Also called: Bare lymphocyte syndrome 2; BLS, TYPE II. Identifiers: Orphanet 572, MedGen C5447452, MONDO:0008855.

Submissions (2):

CeGaT Center for Human Genetics Tuebingen
Classification: Uncertain significance. Last evaluated: 2025-10-01. Review status: criteria provided, single submitter. Criteria: CeGaT Center For Human Genetics Tuebingen Variant Classification Criteria Version 2. Collection method: clinical testing. Allele origin: germline. Affected: yes. Observed: 1 variant allele.
Comment: CIITA: PM2

Labcorp Genetics (formerly Invitae), Labcorp
Classification: Uncertain significance for MHC class II deficiency. Last evaluated: 2022-09-01. Review status: criteria provided, single submitter. Criteria: Invitae Variant Classification Sherloc (09022015). Collection method: clinical testing. Allele origin: germline.
Comment: This sequence change replaces glutamine, which is neutral and polar, with tryptophan, which is neutral and slightly polar, at codon 900 of the CIITA protein (p.Gln900Trp). This variant is present in population databases (no rsID available, gnomAD 0.3%). This variant has not been reported in the literature in individuals affected with CIITA-related conditions. ClinVar contains an entry for this variant (Variation ID: 855724). Algorithms developed to predict the effect of missense changes on protein structure and function are either unavailable or do not agree on the potential impact of this missense change (SIFT: "Not Available"; PolyPhen-2: "Benign"; Align-GVGD: "Not Available"). In summary, the available evidence is currently insufficient to determine the role of this variant in disease. Therefore, it has been classified as a Variant of Uncertain Significance.